The following is an entry in ClinVar:

ClinVar aggregate classification (germline): Pathogenic (1 of 4 stars; one submission).

Submission:

Labcorp Genetics (formerly Invitae), Labcorp
Classification: Pathogenic. Last evaluated: 2024-11-18. Review status: criteria provided, single submitter. Criteria: Invitae Variant Classification Sherloc (09022015). Collection method: clinical testing. Allele origin: germline.
Comment: This sequence change creates a premature translational stop signal (p.Cys46*) in the CA4 gene. It is expected to result in an absent or disrupted protein product. Loss-of-function variants in CA4 are known to be pathogenic (PMID: 33090715). This variant is not present in population databases (gnomAD no frequency). This variant has not been reported in the literature in individuals affected with CA4-related conditions. For these reasons, this variant has been classified as Pathogenic.

Literature cited by the submitters: PubMed 33090715.

NM_000717.5(CA4):c.138C>A (p.Cys46Ter)

Gene: CA4 (carbonic anhydrase 4; plus strand). Cytogenetic location: 17q23.1.
Variant type: single nucleotide variant.
Coding change: c.138C>A on transcript NM_000717.5 (MANE Select); coding-DNA position 138, C replaced by A.
Protein change: p.Cys46Ter; replaces cysteine 46 with a stop codon.
Molecular consequence: nonsense. On other transcripts: non-coding transcript variant (1).
Genome position (GRCh38, 1-based): chr17:60,156,585, C>A. VCF-style: chr17-60156585-C-A. GRCh37 (hg19) VCF-style: chr17-58233946-C-A.
Other names: short protein forms C46*.
Identifiers: ClinVar variation 3689423 (VCV003689423.2).